The following is an entry in ClinVar:

ClinVar aggregate classification (germline): Uncertain significance (1 of 4 stars; one submission).

Submission:

Labcorp Genetics (formerly Invitae), Labcorp
Classification: Uncertain significance. Last evaluated: 2024-01-07. Review status: criteria provided, single submitter. Criteria: Invitae Variant Classification Sherloc (09022015). Collection method: clinical testing. Allele origin: germline.
Comment: This sequence change replaces glutamic acid, which is acidic and polar, with aspartic acid, which is acidic and polar, at codon 583 of the DNM1L protein (p.Glu583Asp). This variant is not present in population databases (gnomAD no frequency). This variant has not been reported in the literature in individuals affected with DNM1L-related conditions. An algorithm developed to predict the effect of missense changes on protein structure and function (PolyPhen-2) suggests that this variant is likely to be tolerated. In summary, the available evidence is currently insufficient to determine the role of this variant in disease. Therefore, it has been classified as a Variant of Uncertain Significance.

NM_012062.5(DNM1L):c.1749A>C (p.Glu583Asp)

Gene: DNM1L (dynamin 1 like; plus strand). Cytogenetic location: 12p11.21.
Variant type: single nucleotide variant.
Coding change: c.1749A>C on transcript NM_012062.5 (MANE Select); coding-DNA position 1749, A replaced by C.
Protein change: p.Glu583Asp; replaces glutamic acid 583 with aspartic acid.
Molecular consequence: missense variant.
Genome position (GRCh38, 1-based): chr12:32,740,105, A>C. VCF-style: chr12-32740105-A-C. GRCh37 (hg19) VCF-style: chr12-32893039-A-C.
Other names: c.1716A>C, p.Glu572Asp (NM_001278463.2); c.1788A>C, p.Glu596Asp (NM_001278464.2); c.1755A>C, p.Glu585Asp (NM_001278465.2); c.1140A>C, p.Glu380Asp (NM_001278466.2); c.1677A>C, p.Glu559Asp (NM_001330380.2); c.1638A>C, p.Glu546Asp (NM_005690.5); c.1671A>C, p.Glu557Asp (NM_012063.4); short protein forms E557D, E572D, E583D, E585D, E596D, E380D, E546D, E559D.
Identifiers: ClinVar variation 2708114 (VCV002708114.3), dbSNP rs2541121182, ClinGen allele CA384362455.
Genomic context (GRCh38, chr12:32,740,105, plus strand): 5'-TTGGAACATGTTTTTTCAGGTTGCATCTGGAGGTGGTGGGGTTGGAGATGGTGTTCAAGA[A>C]CCAACCACAGGCAACTGGAGAGGAATGCTGAAAACTTCAAAAGCTGAAGAGTTATTAGCA-3'
Protein context (NP_036192.2, residues 573-593): GGGGVGDGVQ[Glu583Asp]PTTGNWRGML